The following is an entry in ClinVar:

ClinVar aggregate classification (germline): Conflicting classifications of pathogenicity. Review status: criteria provided, conflicting classifications (1 of 4 stars). 2 submissions from 2 submitters: Uncertain significance (1); Likely benign (1). Last evaluated 2022-09-09.

Conditions:
Multiple endocrine neoplasia, type 2 (MEN2). Identifiers: Orphanet 653, MedGen C4048306, MONDO:0019003. Disease mechanism: gain of function.
Hereditary cancer-predisposing syndrome. Also called: Neoplastic Syndromes, Hereditary; Tumor predisposition; Hereditary Cancer Syndrome; Hereditary neoplastic syndrome. Identifiers: Orphanet 140162, MedGen C0027672, MeSH D009386, MONDO:0015356.

Allele frequency attached by ClinVar (database versions not stated): gnomAD 0.00001.

Submissions (2):

Labcorp Genetics (formerly Invitae), Labcorp
Classification: Uncertain significance for Multiple endocrine neoplasia, type 2. Last evaluated: 2022-09-09. Review status: criteria provided, single submitter. Criteria: Invitae Variant Classification Sherloc (09022015). Collection method: clinical testing. Allele origin: germline.
Comment: This sequence change replaces proline, which is neutral and non-polar, with leucine, which is neutral and non-polar, at codon 537 of the RET protein (p.Pro537Leu). In summary, the available evidence is currently insufficient to determine the role of this variant in disease. Therefore, it has been classified as a Variant of Uncertain Significance. Algorithms developed to predict the effect of missense changes on protein structure and function output the following: SIFT: "Tolerated"; PolyPhen-2: "Benign"; Align-GVGD: "Class C0". The leucine amino acid residue is found in multiple mammalian species, which suggests that this missense change does not adversely affect protein function. This variant has not been reported in the literature in individuals affected with RET-related conditions. This variant is present in population databases (no rsID available, gnomAD 0.007%).

Ambry Genetics
Classification: Likely benign for Hereditary cancer-predisposing syndrome. Last evaluated: 2022-09-01. Review status: criteria provided, single submitter. Criteria: Ambry Variant Classification Scheme 2023. Collection method: clinical testing. Allele origin: germline.

NM_020975.6(RET):c.1610C>T (p.Pro537Leu)

Gene: RET (ret proto-oncogene; plus strand). Cytogenetic location: 10q11.21.
Variant type: single nucleotide variant.
Coding change: c.1610C>T on transcript NM_020975.6 (MANE Select); coding-DNA position 1610, C replaced by T.
Protein change: p.Pro537Leu; replaces proline 537 with leucine.
Molecular consequence: missense variant.
Genome position (GRCh38, 1-based): chr10:43,112,186, C>T. VCF-style: chr10-43112186-C-T. GRCh37 (hg19) VCF-style: chr10-43607634-C-T.
Other names: c.1610C>T, p.Pro537Leu (NM_000323.2, NM_001406743.1, NM_001406744.1 and 6 more transcripts); c.848C>T, p.Pro283Leu (NM_001355216.2); c.1481C>T, p.Pro494Leu (NM_001406761.1, NM_001406762.1, NM_001406764.1 and 1 more transcripts); c.1322C>T, p.Pro441Leu (NM_001406766.1, NM_001406767.1, NM_001406770.1); c.1214C>T, p.Pro405Leu (NM_001406769.1, NM_001406772.1); c.1172C>T, p.Pro391Leu (NM_001406771.1, NM_001406773.1); c.1085C>T, p.Pro362Leu (NM_001406774.1); c.884C>T, p.Pro295Leu (NM_001406775.1, NM_001406776.1, NM_001406777.1 and 1 more transcripts); and 5 more; short protein forms P142L, P195L, P537L, P207L, P283L, P362L, P391L, P405L.
Identifiers: ClinVar variation 1776381 (VCV001776381.7), dbSNP rs1490617677, ClinGen allele CA376550689.